The following is an entry in ClinVar:

NM_130839.5(UBE3A):c.21A>G (p.Arg7=)

Genes: SNHG14 (small nucleolar RNA host gene 14; plus strand), UBE3A (ubiquitin protein ligase E3A; minus strand). Cytogenetic location: 15q11.2.
Variant type: single nucleotide variant.
Coding change: c.21A>G on transcript NM_130839.5 (MANE Select); coding-DNA position 21, A replaced by G.
Protein change: p.Arg7=; no amino-acid change (arginine 7 retained).
Molecular consequence: synonymous variant. On other transcripts: 5 prime UTR variant (21), non-coding transcript variant (1), intron variant (1).
Genome position (GRCh38, 1-based): chr15:25,405,502, T>C on the plus strand (A>G on the coding strand, the complement: UBE3A is on the minus strand). VCF-style: chr15-25405502-T-C. GRCh37 (hg19) VCF-style: chr15-25650649-T-C.
Other names: c.30A>G, p.Lys10= (NM_000462.5); c.21A>G, p.Arg7= (NM_001354505.1, NM_001354538.2, NM_001354545.2 and 1 more transcripts); c.-40A>G (NM_001354506.2, NM_001354507.2, NM_001354508.2 and 17 more transcripts); c.-153A>G (NM_001354523.2); c.-115-29739A>G (NM_001354546.2).
Identifiers: ClinVar variation 516845 (VCV000516845.1), dbSNP rs752810430, ClinGen allele CA7435706.

ClinVar aggregate classification (germline): Likely benign (1 of 4 stars; one submission).

Allele frequency attached by ClinVar (database versions not stated): gnomAD 0.00001 and 0.00005; TOPMed 0.00002; gnomAD exomes 0.00006 and 0.00014; 1000 Genomes Project 30x 0.00016; ExAC 0.00017.
gnomAD v4.1: 97 of 1,613,818 alleles (0.006%); highest among the groups gnomAD compares: South Asian, 0.092%; 1 homozygote.

Submission:

GeneDx
Classification: Likely benign. Last evaluated: 2017-08-01. Review status: criteria provided, single submitter. Criteria: GeneDx Variant Classification (06012015). Collection method: clinical testing. Allele origin: germline. Affected: yes.
Comment: This variant is considered likely benign or benign based on one or more of the following criteria: it is a conservative change, it occurs at a poorly conserved position in the protein, it is predicted to be benign by multiple in silico algorithms, and/or has population frequency not consistent with disease.